The following is an entry in ClinVar:

NM_002474.3(MYH11):c.5874G>A (p.Thr1958=)

Genes: MYH11 (myosin heavy chain 11; minus strand), NDE1 (nudE neurodevelopment protein 1; plus strand). Cytogenetic location: 16p13.11.
Variant type: single nucleotide variant.
Coding change: c.5874G>A on transcript NM_002474.3 (MANE Select); coding-DNA position 5874, G replaced by A.
Protein change: p.Thr1958=; no amino-acid change (threonine 1958 retained).
Molecular consequence: synonymous variant. On other transcripts: 3 prime UTR variant (2), intron variant (2).
Genome position (GRCh38, 1-based): chr16:15,704,036, C>T on the plus strand (G>A on the coding strand, the complement: MYH11 is on the minus strand). VCF-style: chr16-15704036-C-T. GRCh37 (hg19) VCF-style: chr16-15797893-C-T.
Other names: c.*96G>A (NM_001040113.2, NM_022844.3); c.5895G>A, p.Thr1965= (NM_001040114.2); c.947+7176C>T (NM_001143979.2, NM_017668.3).
Identifiers: ClinVar variation 519932 (VCV000519932.31), dbSNP rs761000142, ClinGen allele CA278582926.

ClinVar aggregate classification (germline): Conflicting classifications of pathogenicity. Review status: criteria provided, conflicting classifications (1 of 4 stars). 3 submissions from 3 submitters: Uncertain significance (1); Likely benign (2). Last evaluated 2023-08-01.

Conditions:
Familial thoracic aortic aneurysm and aortic dissection (TAAD). Also called: Thoracic aortic aneurysms and dissections. Identifiers: Orphanet 91387, MedGen C4707243, MONDO:0019625.

Allele frequency attached by ClinVar (database versions not stated): gnomAD 0.00001; gnomAD exomes 0.00002.
gnomAD v4.1: 29 of 1,613,918 alleles (0.0018%); highest among the groups gnomAD compares: Admixed American, 0.01%; no homozygotes.

Submissions (3):

CeGaT Center for Human Genetics Tuebingen
Classification: Likely benign. Last evaluated: 2023-08-01. Review status: criteria provided, single submitter. Criteria: CeGaT Center For Human Genetics Tuebingen Variant Classification Criteria Version 2. Collection method: clinical testing. Allele origin: germline. Affected: yes. Observed: 2 variant alleles.
Comment: MYH11: BP4, BP7

Color Diagnostics, LLC DBA Color Health
Classification: Uncertain significance for Familial thoracic aortic aneurysm and aortic dissection. Last evaluated: 2019-03-11. Review status: criteria provided, single submitter. Criteria: ACMG Guidelines, 2015. Collection method: clinical testing. Allele origin: germline.
Comment: Variant of Uncertain Significance due to insufficient evidence: This variant changes a single nucleotide in the 3' untranslated region of the MYH11 gene. Computational splicing tools suggest that this variant may not impact RNA splicing. To our knowledge, functional assays have not been performed for this variant nor has this variant been reported in individuals affected with cardiovascular disorders in the literature. This variant has been identified in 7/282860 chromosomes in the general population by the Genome Aggregation Database (gnomAD). Available evidence is insufficient to determine the role of this variant in disease conclusively.

Ambry Genetics
Classification: Likely benign for Familial thoracic aortic aneurysm and aortic dissection. Last evaluated: 2016-04-01. Review status: criteria provided, single submitter. Criteria: Ambry Variant Classification Scheme 2023. Collection method: clinical testing. Allele origin: germline.